The following is an entry in ClinVar:

NM_015047.3(EMC1):c.1089+6G>T

Genes: EMC1 (ER membrane protein complex subunit 1; minus strand), EMC1-AS1 (EMC1 antisense RNA 1; plus strand). Cytogenetic location: 1p36.13.
Variant type: single nucleotide variant.
Coding change: c.1089+6G>T on transcript NM_015047.3 (MANE Select); 6 bases into the intron after coding-DNA position 1089, G replaced by T.
Molecular consequence: intron variant.
Genome position (GRCh38, 1-based): chr1:19,238,789, C>A on the plus strand (G>T on the coding strand, the complement: EMC1 is on the minus strand). VCF-style: chr1-19238789-C-A. GRCh37 (hg19) VCF-style: chr1-19565283-C-A.
Other names: c.1023+6G>T (NM_001271429.2); c.1086+6G>T (NM_001271427.2, NM_001375821.1); c.1089+6G>T (NM_001271428.2, NM_001375820.1).
Identifiers: ClinVar variation 2120375 (VCV002120375.4), dbSNP rs2093585309, ClinGen allele CA2580061436.

ClinVar aggregate classification (germline): Uncertain significance (1 of 4 stars; one submission).

Submission:

Labcorp Genetics (formerly Invitae), Labcorp
Classification: Uncertain significance. Last evaluated: 2025-04-21. Review status: criteria provided, single submitter. Criteria: Invitae Variant Classification Sherloc (09022015). Collection method: clinical testing. Allele origin: germline.
Comment: This sequence change falls in intron 10 of the EMC1 gene. It does not directly change the encoded amino acid sequence of the EMC1 protein. It affects a nucleotide within the consensus splice site. This variant is not present in population databases (gnomAD no frequency). This variant has not been reported in the literature in individuals affected with EMC1-related conditions. ClinVar contains an entry for this variant (Variation ID: 2120375). Variants that disrupt the consensus splice site are a relatively common cause of aberrant splicing (PMID: 17576681, 9536098). Algorithms developed to predict the effect of sequence changes on RNA splicing suggest that this variant is not likely to affect RNA splicing. In summary, the available evidence is currently insufficient to determine the role of this variant in disease. Therefore, it has been classified as a Variant of Uncertain Significance.

Literature cited by the submitters: PubMed 17576681; PubMed 9536098.